The following is an entry in ClinVar:

ClinVar aggregate classification (germline): Uncertain significance. Review status: criteria provided, multiple submitters, no conflicts (2 of 4 stars). 2 submissions from 2 submitters: Uncertain significance (2). Last evaluated 2026-04-09.

Conditions:
Early-infantile DEE. Also called: Early infantile epileptic encephalopathy; Ohtahara syndrome; Early infantile epileptic encephalopathy with suppression bursts. Identifiers: Orphanet 1934, MedGen C0393706, MONDO:0800491.

Submissions (2):

GeneDx
Classification: Uncertain significance. Last evaluated: 2026-04-09. Review status: criteria provided, single submitter. Criteria: GeneDx Variant Classification Process June 2021. Collection method: clinical testing. Allele origin: germline.
Comment: Not observed at significant frequency in large population cohorts (gnomAD); In silico analysis supports that this missense variant has a deleterious effect on protein structure/function; Has not been previously published as pathogenic or benign to our knowledge

Labcorp Genetics (formerly Invitae), Labcorp
Classification: Uncertain significance for Early-infantile DEE. Last evaluated: 2023-02-11. Review status: criteria provided, single submitter. Criteria: Invitae Variant Classification Sherloc (09022015). Collection method: clinical testing. Allele origin: germline.
Comment: This sequence change replaces asparagine, which is neutral and polar, with lysine, which is basic and polar, at codon 619 of the HCN1 protein (p.Asn619Lys). This variant is not present in population databases (gnomAD no frequency). This variant has not been reported in the literature in individuals affected with HCN1-related conditions. ClinVar contains an entry for this variant (Variation ID: 960659). Advanced modeling of protein sequence and biophysical properties (such as structural, functional, and spatial information, amino acid conservation, physicochemical variation, residue mobility, and thermodynamic stability) performed at Invitae indicates that this missense variant is not expected to disrupt HCN1 protein function. In summary, the available evidence is currently insufficient to determine the role of this variant in disease. Therefore, it has been classified as a Variant of Uncertain Significance.

NM_021072.4(HCN1):c.1857C>A (p.Asn619Lys)

Gene: HCN1 (hyperpolarization activated cyclic nucleotide gated potassium channel 1; minus strand). Cytogenetic location: 5p12.
Variant type: single nucleotide variant.
Coding change: c.1857C>A on transcript NM_021072.4 (MANE Select); coding-DNA position 1857, C replaced by A.
Protein change: p.Asn619Lys; replaces asparagine 619 with lysine.
Molecular consequence: missense variant.
Genome position (GRCh38, 1-based): chr5:45,262,737, G>T on the plus strand (C>A on the coding strand, the complement: HCN1 is on the minus strand). VCF-style: chr5-45262737-G-T. GRCh37 (hg19) VCF-style: chr5-45262839-G-T.
Other names: short protein forms N619K.
Identifiers: ClinVar variation 960659 (VCV000960659.12), dbSNP rs754531784, ClinGen allele CA359704564.
Genomic context (GRCh38, chr5:45,262,737, plus strand): 5'-GATGGGAGCGATTGCCTGCACCATCTCCCTGTCATGTTTCACAATCTGCTTGAGGATTTC[G>T]TTCTCCTGATTGTTGAAAACACCAGTGTTCAGATCCTTCTGGAACTTTTGCAGAAGAATT-3'
Protein context (NP_066550.2, residues 609-629): LNTGVFNNQE[Asn619Lys]EILKQIVKHD